The following is an entry in ClinVar:

NM_203447.4(DOCK8):c.3044G>A (p.Arg1015His)

Gene: DOCK8 (dedicator of cytokinesis 8; plus strand). Cytogenetic location: 9p24.3.
Variant type: single nucleotide variant.
Coding change: c.3044G>A on transcript NM_203447.4 (MANE Select); coding-DNA position 3044, G replaced by A.
Protein change: p.Arg1015His; replaces arginine 1015 with histidine.
Molecular consequence: missense variant.
Genome position (GRCh38, 1-based): chr9:396,858, G>A. VCF-style: chr9-396858-G-A. GRCh37 (hg19) VCF-style: chr9-396858-G-A.
Other names: c.2744G>A, p.Arg915His (NM_001190458.2); c.2840G>A, p.Arg947His (NM_001193536.2); c.3044G>A (NM_203447.3); short protein forms R915H, R1015H, R947H.
Identifiers: ClinVar variation 1417745 (VCV001417745.34), dbSNP rs200494857, ClinGen allele CA4958477.

ClinVar aggregate classification (germline): Uncertain significance. Review status: criteria provided, multiple submitters, no conflicts (2 of 4 stars). 4 submissions from 4 submitters: Uncertain significance (4). Last evaluated 2024-10-03.

Conditions:
Combined immunodeficiency due to DOCK8 deficiency (HIES2). Also called: HYPER-IgE RECURRENT INFECTION SYNDROME 2, AUTOSOMAL RECESSIVE; DOCK8 Deficiency; Hyper-IgE recurrent infection syndrome, autosomal recessive; HIES autosomal recessive; HYPER-IgE SYNDROME 2, AUTOSOMAL RECESSIVE, WITH RECURRENT INFECTIONS. Identifiers: Orphanet 217390, MedGen C4722305, MONDO:0009478, OMIM 243700.

Allele frequency attached by ClinVar (database versions not stated): gnomAD 0.00001; ExAC 0.00003; gnomAD exomes 0.00003 and 0.00004; TOPMed 0.00004.
gnomAD v4.1: 41 of 1,613,942 alleles (0.0025%); highest among the groups gnomAD compares: Admixed American, 0.013%; no homozygotes.

Submissions (4):

Labcorp Genetics (formerly Invitae), Labcorp
Classification: Uncertain significance for Combined immunodeficiency due to DOCK8 deficiency. Last evaluated: 2024-10-03. Review status: criteria provided, single submitter. Criteria: Invitae Variant Classification Sherloc (09022015). Collection method: clinical testing. Allele origin: germline.
Comment: This sequence change replaces arginine, which is basic and polar, with histidine, which is basic and polar, at codon 1015 of the DOCK8 protein (p.Arg1015His). This variant is present in population databases (rs200494857, gnomAD 0.01%). This missense change has been observed in individual(s) with neurodevelopmental disorder (PMID: 28191889). ClinVar contains an entry for this variant (Variation ID: 1417745). Invitae Evidence Modeling of protein sequence and biophysical properties (such as structural, functional, and spatial information, amino acid conservation, physicochemical variation, residue mobility, and thermodynamic stability) indicates that this missense variant is not expected to disrupt DOCK8 protein function with a negative predictive value of 80%. In summary, the available evidence is currently insufficient to determine the role of this variant in disease. Therefore, it has been classified as a Variant of Uncertain Significance.

Blueprint Genetics
Classification: Uncertain significance. Last evaluated: 2024-05-08. Review status: criteria provided, single submitter. Criteria: ACMG Guidelines, 2015. Collection method: clinical testing. Allele origin: germline.

CeGaT Center for Human Genetics Tuebingen
Classification: Uncertain significance. Last evaluated: 2023-02-01. Review status: criteria provided, single submitter. Criteria: CeGaT Center For Human Genetics Tuebingen Variant Classification Criteria Version 2. Collection method: clinical testing. Allele origin: germline. Affected: yes. Observed: 1 variant allele.

Revvity Omics, Revvity
Classification: Uncertain significance for Combined immunodeficiency due to DOCK8 deficiency. Last evaluated: 2019-07-11. Review status: criteria provided, single submitter. Criteria: ACMG Guidelines, 2015. Collection method: clinical testing. Allele origin: germline.

Literature cited by the submitters: PubMed 28191889 (cited by Labcorp Genetics (formerly Invitae), Labcorp).